The following is an entry in ClinVar:

NM_000393.5(COL5A2):c.2769+19A>T

Gene: COL5A2 (collagen type V alpha 2 chain; minus strand). Cytogenetic location: 2q32.2.
Variant type: single nucleotide variant.
Coding change: c.2769+19A>T on transcript NM_000393.5 (MANE Select); 19 bases into the intron after coding-DNA position 2769, A replaced by T.
Molecular consequence: intron variant.
Genome position (GRCh38, 1-based): chr2:189,052,153, T>A on the plus strand (A>T on the coding strand, the complement: COL5A2 is on the minus strand). VCF-style: chr2-189052153-T-A. GRCh37 (hg19) VCF-style: chr2-189916879-T-A.
Other names: c.2769+19A>T (NM_000393.4).
Identifiers: ClinVar variation 213080 (VCV000213080.16), dbSNP rs111609220, ClinGen allele CA322936.

ClinVar aggregate classification (germline): Benign/Likely benign. Review status: criteria provided, multiple submitters, no conflicts (2 of 4 stars). 7 submissions from 7 submitters: Benign (4); Likely benign (3). Last evaluated 2026-07-01.

Conditions:
Ehlers-Danlos syndrome, classic type, 1 (EDSCL1). Also called: EHLERS-DANLOS SYNDROME, GRAVIS TYPE; EHLERS-DANLOS SYNDROME, SEVERE CLASSIC TYPE; Ehlers-Danlos syndrome, type 1; Ehlers-Danlos Syndrome, Classic Type, COL5A1-Related; EDS I. Identifiers: MedGen C0268335, MONDO:0019567, OMIM 130000.
Ehlers-Danlos syndrome, classic type, 2 (EDSCL2). Also called: Ehlers-Danlos syndrome type 2 (formerly); Ehlers-Danlos syndrome, type 2; Ehlers-Danlos Syndrome, Classic Type, COL5A2-Related. Identifiers: Orphanet 287, Orphanet 90318, MedGen C0268336, MONDO:0019568, OMIM 130010.

Allele frequency attached by ClinVar (database versions not stated): gnomAD exomes 0.00038 and 0.00125; ExAC 0.00161; gnomAD 0.00460 and 0.00481; TOPMed 0.00476; ESP Exome Variant Server 0.00523; 1000 Genomes Project 0.00819; 1000 Genomes Project 30x 0.00874.
gnomAD v4.1: 1,269 of 1,608,088 alleles (0.079%); highest among the groups gnomAD compares: African/African-American, 1.5%; 7 homozygotes.

Submissions (7):

CeGaT Center for Human Genetics Tuebingen
Classification: Likely benign. Last evaluated: 2026-07-01. Review status: criteria provided, single submitter. Criteria: CeGaT Center For Human Genetics Tuebingen Variant Classification Criteria Version 2. Collection method: clinical testing. Allele origin: germline. Affected: yes. Observed: 1 variant allele.
Comment: COL5A2: PP3, BS1

Labcorp Genetics (formerly Invitae), Labcorp
Classification: Benign for Ehlers-Danlos syndrome, classic type, 1. Last evaluated: 2026-02-02. Review status: criteria provided, single submitter. Criteria: Invitae Variant Classification Sherloc (09022015). Collection method: clinical testing. Allele origin: germline.

Blueprint Genetics
Classification: Likely benign. Last evaluated: 2024-11-13. Review status: criteria provided, single submitter. Criteria: ACMG Guidelines, 2015. Collection method: clinical testing. Allele origin: germline.

Women's Health and Genetics/Laboratory Corporation of America, LabCorp
Classification: Benign. Last evaluated: 2023-07-21. Review status: criteria provided, single submitter. Criteria: LabCorp Variant Classification Summary - May 2015. Collection method: clinical testing. Allele origin: germline.

ARUP Laboratories, Molecular Genetics and Genomics, ARUP Laboratories
Classification: Likely benign for Ehlers-Danlos syndrome, classic type, 2. Last evaluated: 2022-04-06. Review status: criteria provided, single submitter. Criteria: ARUP Molecular Germline Variant Investigation Process 2021. Collection method: clinical testing. Allele origin: germline.

GeneDx
Classification: Benign. Last evaluated: 2014-12-30. Review status: criteria provided, single submitter. Criteria: GeneDx Variant Classification (06012015). Collection method: clinical testing. Allele origin: germline. Affected: yes.
Comment: This variant is considered likely benign or benign based on one or more of the following criteria: it is a conservative change, it occurs at a poorly conserved position in the protein, it is predicted to be benign by multiple in silico algorithms, and/or has population frequency not consistent with disease.

PreventionGenetics, part of Exact Sciences
Classification: Benign. Review status: criteria provided, single submitter. Criteria: ACMG Guidelines, 2015. Collection method: clinical testing. Allele origin: germline.